The following is an entry in ClinVar:

NM_003647.3(DGKE):c.301A>T (p.Lys101Ter)

Gene: DGKE (diacylglycerol kinase epsilon; plus strand). Cytogenetic location: 17q22.
Variant type: single nucleotide variant.
Coding change: c.301A>T on transcript NM_003647.3 (MANE Select); coding-DNA position 301, A replaced by T.
Protein change: p.Lys101Ter; replaces lysine 101 with a stop codon.
Molecular consequence: nonsense.
Genome position (GRCh38, 1-based): chr17:56,835,096, A>T. VCF-style: chr17-56835096-A-T. GRCh37 (hg19) VCF-style: chr17-54912457-A-T.
Other names: short protein forms K101*.
Identifiers: ClinVar variation 446215 (VCV000446215.2), dbSNP rs777787526, ClinGen allele CA399921914.

ClinVar aggregate classification (germline): Pathogenic. Review status: criteria provided, single submitter (1 of 4 stars). 2 submissions from 2 submitters: Pathogenic (1). 1 of the submissions does not count toward it. Last evaluated 2025-09-26.

Conditions:
Atypical hemolytic-uremic syndrome. Identifiers: Orphanet 2134, MedGen C2931788, MONDO:0016244.

Submissions (2):

Genomenon, Inc
Classification: Pathogenic for Atypical hemolytic-uremic syndrome. Last evaluated: 2025-09-26. Review status: criteria provided, single submitter. Criteria: Genomenon Sequence Variant Interpretation Standards - Updated. Collection method: curation. Allele origin: germline. Affected: yes.
Comment: DGKE p.Lys101Ter (c.301A>T) is a nonsense variant that introduces a premature stop codon at amino acid position 101, creating a truncated protein that is predicted to undergo nonsense-mediated mRNA decay. This variant has been observed in at least one proband affected with atypical hemolytic-uremic syndrome (PMID:24511134). The variant was found to segregate with disease in at least one affected family (PMID:24511134). It is absent or not present at a significant frequency in gnomAD. In conclusion, we classify DGKE p.Lys101Ter (c.301A>T) as a pathogenic variant.

Yale Center for Mendelian Genomics, Yale University
Classification: Pathogenic for Atypical hemolytic uremic syndrome. Last evaluated: 2014-02-07. Review status: no assertion criteria provided. Collection method: literature only. Allele origin: germline. Affected: yes. Observed: 2 homozygotes. Not counted in ClinVar's aggregate classification.

Literature cited by the submitters: PubMed 24511134 (cited by Genomenon, Inc and Yale Center for Mendelian Genomics, Yale University).